The following is an entry in ClinVar:

ClinVar aggregate classification (germline): Uncertain significance (1 of 4 stars; one submission).

Submission:

GeneDx
Classification: Uncertain significance. Last evaluated: 2024-03-27. Review status: criteria provided, single submitter. Criteria: GeneDx Variant Classification Process June 2021. Collection method: clinical testing. Allele origin: germline. Affected: yes.
Comment: Not observed at significant frequency in large population cohorts (gnomAD); In silico analysis supports that this missense variant does not alter protein structure/function; Has not been previously published as pathogenic or benign to our knowledge

NM_001386298.1(CIC):c.5231A>G (p.Gln1744Arg)

Gene: CIC (capicua transcriptional repressor; plus strand). Cytogenetic location: 19q13.2.
Variant type: single nucleotide variant.
Coding change: c.5231A>G on transcript NM_001386298.1 (MANE Select); coding-DNA position 5231, A replaced by G.
Protein change: p.Gln1744Arg; replaces glutamine 1744 with arginine.
Molecular consequence: missense variant.
Genome position (GRCh38, 1-based): chr19:42,291,272, A>G. VCF-style: chr19-42291272-A-G. GRCh37 (hg19) VCF-style: chr19-42795424-A-G.
Other names: c.5231A>G, p.Gln1744Arg (NM_001304815.2, NM_001379480.1, NM_001379482.1); c.2504A>G, p.Gln835Arg (NM_001379484.1, NM_001379485.1, NM_015125.5); short protein forms Q1744R, Q835R.
Identifiers: ClinVar variation 3371504 (VCV003371504.1).